The following is an entry in ClinVar:

ClinVar aggregate classification (germline): Likely pathogenic (1 of 4 stars; one submission).

Conditions:
Branchiootorenal syndrome 1. Also called: Branchio-Oto-Renal Syndrome 1. Identifiers: Orphanet 107, MedGen C4551702, MONDO:0007236, OMIM 113650.

Submission:

Juno Genomics, Hangzhou Juno Genomics, Inc
Classification: Likely pathogenic for Branchiootorenal syndrome 1. Review status: criteria provided, single submitter. Criteria: ACMG Guidelines, 2015. Collection method: clinical testing. Allele origin: germline. Affected: yes.
Comment: Absent from controls (or at extremely low frequency if recessive) in Genome Aggregation Database, Exome Sequencing Project, 1000 Genomes Project, or Exome Aggregation Consortium.;Null variant in a gene where loss of function (LOF) is a known mechanism of disease.

NM_000503.6(EYA1):c.1426_1427del (p.Asp476fs)

Gene: EYA1 (EYA transcriptional coactivator and phosphatase 1; minus strand). Cytogenetic location: 8q13.3.
Variant type: Deletion.
Coding change: c.1426_1427del on transcript NM_000503.6 (MANE Select); coding-DNA positions 1426 to 1427, 2 bases deleted (GA; older notation c.1426_1427delGA).
Protein change: p.Asp476fs; shifts the reading frame from aspartic acid 476.
Molecular consequence: frameshift variant.
Genome position (GRCh38, 1-based): chr8:71,215,662-71,215,663, TC deleted on the plus strand (GA on the coding strand, the reverse complement: EYA1 is on the minus strand). VCF-style (leftmost placement, unchanged base first): chr8-71215661-GTC-G. GRCh37 (hg19) VCF-style: chr8-72127896-GTC-G.
Other names: c.1408_1409del, p.Asp470fs (NM_001288574.2, NM_172059.5); c.1060_1061del, p.Asp354fs (NM_001288575.2); c.1513_1514del, p.Asp505fs (NM_001370333.1); c.1426_1427del, p.Asp476fs (NM_001370334.1, NM_001370335.1, NM_172058.4); c.1405_1406del, p.Asp469fs (NM_001370336.1); c.1327_1328del, p.Asp443fs (NM_001411797.1, NM_172060.4); short protein forms D354fs, D443fs, D469fs, D470fs, D476fs, D505fs.
Identifiers: ClinVar variation 3382302 (VCV003382302.2).